The following is an entry in ClinVar:

NM_002863.5(PYGL):c.1597C>T (p.Arg533Trp)

Gene: PYGL (glycogen phosphorylase L; minus strand). Cytogenetic location: 14q22.1.
Variant type: single nucleotide variant.
Coding change: c.1597C>T on transcript NM_002863.5 (MANE Select); coding-DNA position 1597, C replaced by T.
Protein change: p.Arg533Trp; replaces arginine 533 with tryptophan.
Molecular consequence: missense variant.
Genome position (GRCh38, 1-based): chr14:50,913,052, G>A on the plus strand (C>T on the coding strand, the complement: PYGL is on the minus strand). VCF-style: chr14-50913052-G-A. GRCh37 (hg19) VCF-style: chr14-51379770-G-A.
Other names: c.1495C>T, p.Arg499Trp (NM_001163940.2); short protein forms R533W, R499W.
Identifiers: ClinVar variation 1411469 (VCV001411469.8), dbSNP rs757446684, ClinGen allele CA7183425.

ClinVar aggregate classification (germline): Uncertain significance (1 of 4 stars; one submission).

Conditions:
Glycogen storage disease, type VI (GSD6). Also called: HERS DISEASE; PHOSPHORYLASE DEFICIENCY GLYCOGEN-STORAGE DISEASE OF LIVER; Glycogen storage disease type 6, due to phosphorylation; GSD VI; Glycogen storage disease type 6; Hepatic glycogen phosphorylase deficiency. Identifiers: Orphanet 369, MedGen C0017925, MONDO:0009294, OMIM 232700.

Allele frequency attached by ClinVar (database versions not stated): ExAC 0.00001; gnomAD exomes 0.00001 and 0.00002; TOPMed 0.00001; gnomAD 0.00002.
gnomAD v4.1: 25 of 1,613,818 alleles (0.0015%); highest among the groups gnomAD compares: African/African-American, 0.004%; no homozygotes.

Submission:

Labcorp Genetics (formerly Invitae), Labcorp
Classification: Uncertain significance for Glycogen storage disease, type VI. Last evaluated: 2021-07-01. Review status: criteria provided, single submitter. Criteria: Invitae Variant Classification Sherloc (09022015). Collection method: clinical testing. Allele origin: germline.
Comment: This sequence change replaces arginine with tryptophan at codon 533 of the PYGL protein (p.Arg533Trp). The arginine residue is highly conserved and there is a moderate physicochemical difference between arginine and tryptophan. This variant is present in population databases (rs757446684, ExAC 0.01%). This variant has not been reported in the literature in individuals affected with PYGL-related conditions. Advanced modeling of protein sequence and biophysical properties (such as structural, functional, and spatial information, amino acid conservation, physicochemical variation, residue mobility, and thermodynamic stability) performed at Invitae indicates that this missense variant is not expected to disrupt PYGL protein function. In summary, the available evidence is currently insufficient to determine the role of this variant in disease. Therefore, it has been classified as a Variant of Uncertain Significance.